The following is an entry in ClinVar:

NM_001254.4(CDC6):c.1456T>C (p.Tyr486His)

Gene: CDC6 (cell division cycle 6; plus strand). Cytogenetic location: 17q21.2.
Variant type: single nucleotide variant.
Coding change: c.1456T>C on transcript NM_001254.4 (MANE Select); coding-DNA position 1456, T replaced by C.
Protein change: p.Tyr486His; replaces tyrosine 486 with histidine.
Molecular consequence: missense variant.
Genome position (GRCh38, 1-based): chr17:40,301,471, T>C. VCF-style: chr17-40301471-T-C. GRCh37 (hg19) VCF-style: chr17-38457723-T-C.
Other names: c.1456T>C (NM_001254.3); short protein forms Y486H.
Identifiers: ClinVar variation 1436673 (VCV001436673.6), dbSNP rs139013087, ClinGen allele CA8542151.

ClinVar aggregate classification (germline): Uncertain significance. Review status: criteria provided, multiple submitters, no conflicts (2 of 4 stars). 2 submissions from 2 submitters: Uncertain significance (2). Last evaluated 2025-01-16.

Allele frequency attached by ClinVar (database versions not stated): gnomAD exomes 0.00006 and 0.00012; TOPMed 0.00006; ExAC 0.00007; ESP Exome Variant Server 0.00008; gnomAD 0.00008 and 0.00009.
gnomAD v4.1: 180 of 1,613,946 alleles (0.011%); highest among the groups gnomAD compares: Non-Finnish European, 0.014%; no homozygotes.

Submissions (2):

Ambry Genetics
Classification: Uncertain significance. Last evaluated: 2025-01-16. Review status: criteria provided, single submitter. Criteria: Ambry Variant Classification Scheme 2023. Collection method: clinical testing. Allele origin: germline.

Labcorp Genetics (formerly Invitae), Labcorp
Classification: Uncertain significance. Last evaluated: 2024-09-04. Review status: criteria provided, single submitter. Criteria: Invitae Variant Classification Sherloc (09022015). Collection method: clinical testing. Allele origin: germline.
Comment: This sequence change replaces tyrosine, which is neutral and polar, with histidine, which is basic and polar, at codon 486 of the CDC6 protein (p.Tyr486His). This variant is present in population databases (rs139013087, gnomAD 0.009%). This variant has not been reported in the literature in individuals affected with CDC6-related conditions. ClinVar contains an entry for this variant (Variation ID: 1436673). An algorithm developed to predict the effect of missense changes on protein structure and function outputs the following: PolyPhen-2: "Benign". The histidine amino acid residue is found in multiple mammalian species, which suggests that this missense change does not adversely affect protein function. In summary, the available evidence is currently insufficient to determine the role of this variant in disease. Therefore, it has been classified as a Variant of Uncertain Significance.